The following is an entry in ClinVar:

ClinVar aggregate classification (germline): Uncertain significance. Review status: criteria provided, multiple submitters, no conflicts (2 of 4 stars). 2 submissions from 2 submitters: Uncertain significance (2). Last evaluated 2025-11-24.

Conditions:
PLXNA4-related disorder. Also called: PLXNA4-related condition.

Allele frequency attached by ClinVar (database versions not stated): TOPMed 0.00003; ExAC 0.00004; gnomAD 0.00004; ESP Exome Variant Server 0.00008.
gnomAD v4.1: 72 of 1,609,422 alleles (0.0045%); highest among the groups gnomAD compares: Non-Finnish European, 0.0058%; no homozygotes.

Submissions (2):

PreventionGenetics, part of Exact Sciences
Classification: Uncertain significance for PLXNA4-related condition. Last evaluated: 2025-11-24. Review status: criteria provided, single submitter. Criteria: ACMG Guidelines, 2015. Collection method: clinical testing. Allele origin: germline.
Comment: The PLXNA4 c.2504G>A variant is predicted to result in the amino acid substitution p.Arg835His. To our knowledge, this variant has not been reported in the literature. This variant is reported in 0.0081% of alleles in individuals of European (Non-Finnish) descent in gnomAD. At this time, the clinical significance of this variant is uncertain due to the absence of conclusive functional and genetic evidence.

Ambry Genetics
Classification: Uncertain significance. Last evaluated: 2025-04-13. Review status: criteria provided, single submitter. Criteria: Ambry Variant Classification Scheme 2023. Collection method: clinical testing. Allele origin: germline.

NM_020911.2(PLXNA4):c.2504G>A (p.Arg835His)

Gene: PLXNA4 (plexin A4; minus strand). Cytogenetic location: 7q32.3.
Variant type: single nucleotide variant.
Coding change: c.2504G>A on transcript NM_020911.2 (MANE Select); coding-DNA position 2504, G replaced by A.
Protein change: p.Arg835His; replaces arginine 835 with histidine.
Molecular consequence: missense variant.
Genome position (GRCh38, 1-based): chr7:132,202,728, C>T on the plus strand (G>A on the coding strand, the complement: PLXNA4 is on the minus strand). VCF-style: chr7-132202728-C-T. GRCh37 (hg19) VCF-style: chr7-131887487-C-T.
Other names: c.2504G>A, p.Arg835His (NM_001393897.1); short protein forms R835H.
Identifiers: ClinVar variation 2473946 (VCV002473946.4), dbSNP rs377259057, ClinGen allele CA4489781.